The following is an entry in ClinVar:

NM_004329.3(BMPR1A):c.571C>G (p.Arg191Gly)

Gene: BMPR1A (bone morphogenetic protein receptor type 1A; plus strand). Cytogenetic location: 10q23.2.
Variant type: single nucleotide variant.
Coding change: c.571C>G on transcript NM_004329.3 (MANE Select); coding-DNA position 571, C replaced by G.
Protein change: p.Arg191Gly; replaces arginine 191 with glycine.
Molecular consequence: missense variant. On other transcripts: intron variant (1), non-coding transcript variant (3).
Genome position (GRCh38, 1-based): chr10:86,912,280, C>G. VCF-style: chr10-86912280-C-G. GRCh37 (hg19) VCF-style: chr10-88672037-C-G.
Other names: c.646C>G, p.Arg216Gly (NM_001406559.1); c.619C>G, p.Arg207Gly (NM_001406560.1); c.571C>G, p.Arg191Gly (NM_001406561.1, NM_001406562.1, NM_001406563.1 and 20 more transcripts); c.334-4854C>G (NM_001406589.1); c.487C>G, p.Arg163Gly (NM_001406584.1, NM_001406585.1, NM_001406586.1 and 2 more transcripts); short protein forms R191G, R216G, R163G, R207G.
Identifiers: ClinVar variation 2786887 (VCV002786887.3), dbSNP rs1053423400, ClinGen allele CA377454448.
Genomic context (GRCh38, chr10:86,912,280, plus strand): 5'-GTTTTCTGCTTTTTTAAAAGACATTATTGCAAGAGCATCTCAAGCAGACGTCGTTACAAT[C>G]GTGATTTGGAACAGGATGAAGCATTTATTCCAGTTGGAGAATCACTAAAAGACCTTATTG-3'
Protein context (NP_004320.2, residues 181-201): KSISSRRRYN[Arg191Gly]DLEQDEAFIP

ClinVar aggregate classification (germline): Uncertain significance (1 of 4 stars; one submission).

Conditions:
Juvenile polyposis syndrome (JPS). Identifiers: Orphanet 2929, MedGen C0345893, MONDO:0017380, OMIM 174900.

gnomAD v4.1: 2 of 1,613,858 alleles (0.00012%); highest among the groups gnomAD compares: Non-Finnish European, 0.00017%; no homozygotes.

Submission:

Labcorp Genetics (formerly Invitae), Labcorp
Classification: Uncertain significance for Juvenile polyposis syndrome. Last evaluated: 2023-07-12. Review status: criteria provided, single submitter. Criteria: Invitae Variant Classification Sherloc (09022015). Collection method: clinical testing. Allele origin: germline.
Comment: This sequence change replaces arginine, which is basic and polar, with glycine, which is neutral and non-polar, at codon 191 of the BMPR1A protein (p.Arg191Gly). This variant is not present in population databases (gnomAD no frequency). In summary, the available evidence is currently insufficient to determine the role of this variant in disease. Therefore, it has been classified as a Variant of Uncertain Significance. Advanced modeling of protein sequence and biophysical properties (such as structural, functional, and spatial information, amino acid conservation, physicochemical variation, residue mobility, and thermodynamic stability) performed at Invitae indicates that this missense variant is not expected to disrupt BMPR1A protein function. This variant has not been reported in the literature in individuals affected with BMPR1A-related conditions.